The following is an entry in ClinVar:

NM_014391.3(ANKRD1):c.935A>T (p.Lys312Met)

Gene: ANKRD1 (ankyrin repeat domain 1; minus strand). Cytogenetic location: 10q23.31.
Variant type: single nucleotide variant.
Coding change: c.935A>T on transcript NM_014391.3 (MANE Select); coding-DNA position 935, A replaced by T.
Protein change: p.Lys312Met; replaces lysine 312 with methionine.
Molecular consequence: missense variant.
Genome position (GRCh38, 1-based): chr10:90,912,891, T>A on the plus strand (A>T on the coding strand, the complement: ANKRD1 is on the minus strand). VCF-style: chr10-90912891-T-A. GRCh37 (hg19) VCF-style: chr10-92672648-T-A.
Other names: short protein forms K312M.
Identifiers: ClinVar variation 3676040 (VCV003676040.2).

ClinVar aggregate classification (germline): Uncertain significance (1 of 4 stars; one submission).

Conditions:
ANKRD1-related dilated cardiomyopathy. Identifiers: MedGen CN119551.

Submission:

Labcorp Genetics (formerly Invitae), Labcorp
Classification: Uncertain significance for ANKRD1-related dilated cardiomyopathy. Last evaluated: 2024-04-07. Review status: criteria provided, single submitter. Criteria: Invitae Variant Classification Sherloc (09022015). Collection method: clinical testing. Allele origin: germline.
Comment: This sequence change replaces lysine, which is basic and polar, with methionine, which is neutral and non-polar, at codon 312 of the ANKRD1 protein (p.Lys312Met). This variant is not present in population databases (gnomAD no frequency). This variant has not been reported in the literature in individuals affected with ANKRD1-related conditions. An algorithm developed to predict the effect of missense changes on protein structure and function (PolyPhen-2) suggests that this variant is likely to be disruptive. In summary, the available evidence is currently insufficient to determine the role of this variant in disease. Therefore, it has been classified as a Variant of Uncertain Significance.